The following is an entry in ClinVar:

ClinVar aggregate classification (germline): Likely benign. Review status: criteria provided, multiple submitters, no conflicts (2 of 4 stars). 3 submissions from 3 submitters: Likely benign (3). Last evaluated 2026-01-26.

Allele frequency attached by ClinVar (database versions not stated): gnomAD exomes 0.00002; ExAC 0.00003; TOPMed 0.00004; gnomAD 0.00005; ESP Exome Variant Server 0.00008.
gnomAD v4.1: 26 of 1,613,956 alleles (0.0016%); highest among the groups gnomAD compares: African/African-American, 0.0093%; no homozygotes.

Submissions (3):

Labcorp Genetics (formerly Invitae), Labcorp
Classification: Likely benign. Last evaluated: 2026-01-26. Review status: criteria provided, single submitter. Criteria: Invitae Variant Classification Sherloc (09022015). Collection method: clinical testing. Allele origin: germline.

Blueprint Genetics
Classification: Likely benign. Last evaluated: 2024-03-04. Review status: criteria provided, single submitter. Criteria: ACMG Guidelines, 2015. Collection method: clinical testing. Allele origin: germline.

CeGaT Center for Human Genetics Tuebingen
Classification: Likely benign. Last evaluated: 2023-01-01. Review status: criteria provided, single submitter. Criteria: CeGaT Center For Human Genetics Tuebingen Variant Classification Criteria Version 2. Collection method: clinical testing. Allele origin: germline. Affected: yes. Observed: 1 variant allele.
Comment: MTOR: BP4, BP7

NM_004958.4(MTOR):c.3429G>A (p.Thr1143=)

Gene: MTOR (mechanistic target of rapamycin kinase; minus strand). Cytogenetic location: 1p36.22.
Variant type: single nucleotide variant.
Coding change: c.3429G>A on transcript NM_004958.4 (MANE Select); coding-DNA position 3429, G replaced by A.
Protein change: p.Thr1143=; no amino-acid change (threonine 1143 retained).
Molecular consequence: synonymous variant.
Genome position (GRCh38, 1-based): chr1:11,212,444, C>T on the plus strand (G>A on the coding strand, the complement: MTOR is on the minus strand). VCF-style: chr1-11212444-C-T. GRCh37 (hg19) VCF-style: chr1-11272501-C-T.
Identifiers: ClinVar variation 935584 (VCV000935584.32), dbSNP rs144663877, ClinGen allele CA590222.